The following is an entry in ClinVar:

NM_152468.5(TMC8):c.1375C>T (p.Arg459Trp)

Gene: TMC8 (transmembrane channel like 8; plus strand). Cytogenetic location: 17q25.3.
Variant type: single nucleotide variant.
Coding change: c.1375C>T on transcript NM_152468.5 (MANE Select); coding-DNA position 1375, C replaced by T.
Protein change: p.Arg459Trp; replaces arginine 459 with tryptophan.
Molecular consequence: missense variant.
Genome position (GRCh38, 1-based): chr17:78,138,030, C>T. VCF-style: chr17-78138030-C-T. GRCh37 (hg19) VCF-style: chr17-76134111-C-T.
Other names: short protein forms R459W.
Identifiers: ClinVar variation 948363 (VCV000948363.9), dbSNP rs764442700, ClinGen allele CA8796856.

ClinVar aggregate classification (germline): Conflicting classifications of pathogenicity. Review status: criteria provided, conflicting classifications (1 of 4 stars). 3 submissions from 3 submitters: Uncertain significance (2); Likely benign (1). Last evaluated 2024-09-25.

Conditions:
Epidermodysplasia verruciformis. Identifiers: Orphanet 302, MedGen C0014522, MONDO:0009176.
Inborn genetic diseases. Identifiers: MedGen C0950123, MeSH D030342.

Allele frequency attached by ClinVar (database versions not stated): TOPMed 0.00002.

Submissions (3):

Blueprint Genetics
Classification: Likely benign. Last evaluated: 2024-09-25. Review status: criteria provided, single submitter. Criteria: ACMG Guidelines, 2015. Collection method: clinical testing. Allele origin: germline.

Ambry Genetics
Classification: Uncertain significance for Inborn genetic diseases. Last evaluated: 2024-08-26. Review status: criteria provided, single submitter. Criteria: Ambry Variant Classification Scheme 2023. Collection method: clinical testing. Allele origin: germline.

Labcorp Genetics (formerly Invitae), Labcorp
Classification: Uncertain significance for Epidermodysplasia verruciformis. Last evaluated: 2022-02-04. Review status: criteria provided, single submitter. Criteria: Invitae Variant Classification Sherloc (09022015). Collection method: clinical testing. Allele origin: germline.
Comment: This sequence change replaces arginine, which is basic and polar, with tryptophan, which is neutral and slightly polar, at codon 459 of the TMC8 protein (p.Arg459Trp). This variant is present in population databases (rs764442700, gnomAD 0.006%). This variant has not been reported in the literature in individuals affected with TMC8-related conditions. ClinVar contains an entry for this variant (Variation ID: 948363). Algorithms developed to predict the effect of missense changes on protein structure and function output the following: SIFT: "Tolerated"; PolyPhen-2: "Benign"; Align-GVGD: "Class C0". The tryptophan amino acid residue is found in multiple mammalian species, which suggests that this missense change does not adversely affect protein function. In summary, the available evidence is currently insufficient to determine the role of this variant in disease. Therefore, it has been classified as a Variant of Uncertain Significance.